The following is an entry in ClinVar:

NM_001394062.1(MACF1):c.11056C>G (p.Leu3686Val)

Gene: MACF1 (microtubule actin crosslinking factor 1; plus strand). Cytogenetic location: 1p34.3.
Variant type: single nucleotide variant.
Coding change: c.11056C>G on transcript NM_001394062.1 (MANE Select); coding-DNA position 11056, C replaced by G.
Protein change: p.Leu3686Val; replaces leucine 3686 with valine.
Molecular consequence: missense variant.
Genome position (GRCh38, 1-based): chr1:39,350,875, C>G. VCF-style: chr1-39350875-C-G. GRCh37 (hg19) VCF-style: chr1-39816547-C-G.
Other names: c.4870C>G, p.Leu1624Val (NM_012090.5); short protein forms L3686V, L1624V.
Identifiers: ClinVar variation 2065454 (VCV002065454.30), dbSNP rs200157842, ClinGen allele CA781498.
Genomic context (GRCh38, chr1:39,350,875, plus strand): 5'-ACCTCATTTGCCACTGTTGTCAAGGACATTGAGGGGTTCATGGAAGAGAATCAGACCAAG[C>G]TGAGCCCACGTGAGTTGACAGCTCTTCGGGAAAAGCTTCATCAGGCTAAGGAGCAATATG-3'
Protein context (NP_001380991.1, residues 3676-3696): EGFMEENQTK[Leu3686Val]SPRELTALRE

ClinVar aggregate classification (germline): Benign/Likely benign. Review status: criteria provided, multiple submitters, no conflicts (2 of 4 stars). 4 submissions from 4 submitters: Benign (1); Likely benign (2). 1 of the submissions does not count toward it. Last evaluated 2025-05-28.

Conditions:
MACF1-related disorder. Also called: MACF1-related condition.

Allele frequency attached by ClinVar (database versions not stated): TOPMed 0.00019; ExAC 0.00110; gnomAD 0.00115.
gnomAD v4.1: 1,228 of 1,613,970 alleles (0.076%); highest among the groups gnomAD compares: Non-Finnish European, 0.043%; 8 homozygotes.

Submissions (4):

Labcorp Genetics (formerly Invitae), Labcorp
Classification: Benign. Last evaluated: 2025-05-28. Review status: criteria provided, single submitter. Criteria: Invitae Variant Classification Sherloc (09022015). Collection method: clinical testing. Allele origin: germline.

Blueprint Genetics
Classification: Likely benign. Last evaluated: 2024-09-12. Review status: criteria provided, single submitter. Criteria: ACMG Guidelines, 2015. Collection method: clinical testing. Allele origin: germline.

CeGaT Center for Human Genetics Tuebingen
Classification: Likely benign. Last evaluated: 2024-08-01. Review status: criteria provided, single submitter. Criteria: CeGaT Center For Human Genetics Tuebingen Variant Classification Criteria Version 2. Collection method: clinical testing. Allele origin: germline. Affected: yes. Observed: 2 variant alleles.
Comment: MACF1: BS1

PreventionGenetics, part of Exact Sciences
Classification: Benign for MACF1-related condition. Last evaluated: 2024-05-02. Review status: no assertion criteria provided. Collection method: clinical testing. Allele origin: germline. Not counted in ClinVar's aggregate classification.
Comment: This variant is classified as benign based on ACMG/AMP sequence variant interpretation guidelines (Richards et al. 2015 PMID: 25741868, with internal and published modifications).